The following is an entry in ClinVar:

NM_000256.3(MYBPC3):c.137G>A (p.Gly46Asp)

Gene: MYBPC3 (myosin binding protein C3; minus strand). Cytogenetic location: 11p11.2.
Variant type: single nucleotide variant.
Coding change: c.137G>A on transcript NM_000256.3 (MANE Select); coding-DNA position 137, G replaced by A.
Protein change: p.Gly46Asp; replaces glycine 46 with aspartic acid.
Molecular consequence: missense variant.
Genome position (GRCh38, 1-based): chr11:47,351,394, C>T on the plus strand (G>A on the coding strand, the complement: MYBPC3 is on the minus strand). VCF-style: chr11-47351394-C-T. GRCh37 (hg19) VCF-style: chr11-47372945-C-T.
Other names: short protein forms G46D.
Identifiers: ClinVar variation 2448102 (VCV002448102.3), dbSNP rs2095900834, ClinGen allele CA380341857.
Genomic context (GRCh38, chr11:47,351,394, plus strand): 5'-AGCGTATGCCGTGTGCCCTCTGTGGCCAGGCCGTACTTGTTGCTGGCGCTGATGTCACTG[C>T]CTCCGCGCTGCCAGCGCACCTTCACTCCTGCCCGCTCTGTCTCGGCCTCGAACACGGCAG-3'
Protein context (NP_000247.2, residues 36-56): AGVKVRWQRG[Gly46Asp]SDISASNKYG

ClinVar aggregate classification (germline): Uncertain significance. Review status: criteria provided, multiple submitters, no conflicts (2 of 4 stars). 2 submissions from 2 submitters: Uncertain significance (2). Last evaluated 2024-07-29.

Conditions:
Hypertrophic cardiomyopathy. Also called: HYPERTROPHIC MYOCARDIOPATHY. Identifiers: Orphanet 217569, MedGen C0007194, MeSH D002312, MONDO:0005045, HP:0001639.
Cardiovascular phenotype. Identifiers: MedGen CN230736.

Allele frequency attached by ClinVar (database versions not stated): gnomAD 0.00001.

Submissions (2):

All of Us Research Program, National Institutes of Health
Classification: Uncertain significance for Hypertrophic cardiomyopathy. Last evaluated: 2024-07-29. Review status: criteria provided, single submitter. Criteria: ACMG Guidelines, 2015. Collection method: clinical testing. Allele origin: germline. Inheritance: Autosomal dominant inheritance. Observed: 1 variant allele, 1 heterozygote.
Comment: This missense variant replaces glycine with aspartic acid at codon 46 of the MYBPC3 protein.Computational prediction tools indicate that this variant has a neutral impact on protein structure and function. To our knowledge, functional studies have not been reported for this variant. This variant has been reported in an individual affected with unspecified cardiomyopathy (PMID: 30847666). This variant has not been identified in the general population by the Genome Aggregation Database (gnomAD). The available evidence is insufficient to determine the role of this variant in disease conclusively. Therefore, this variant is classified as a Variant of Uncertain Significance.

This study involves interpretation of variants in research participants for the purpose of population health screening. Participant phenotype was not available at the time of variant classification. Additional details can be found in publication PMID: 35346344, PMCID: PMC8962531

Ambry Genetics
Classification: Uncertain significance for Cardiovascular phenotype. Last evaluated: 2023-01-17. Review status: criteria provided, single submitter. Criteria: Ambry Variant Classification Scheme 2023. Collection method: clinical testing. Allele origin: germline.
Comment: The p.G46D variant (also known as c.137G>A), located in coding exon 2 of the MYBPC3 gene, results from a G to A substitution at nucleotide position 137. The glycine at codon 46 is replaced by aspartic acid, an amino acid with similar properties. This variant was detected in a cardiomyopathy genetic testing cohort; however, clinical details were limited, and additional cardiac variants were detected in some cases (van Lint FHM et al. Neth Heart J, 2019 Jun;27:304-309). This amino acid position is not well conserved in available vertebrate species. In addition, this alteration is predicted to be tolerated by in silico analysis. Since supporting evidence is limited at this time, the clinical significance of this alteration remains unclear.

Literature cited by the submitters: PubMed 30847666 (cited by All of Us Research Program, National Institutes of Health and Ambry Genetics).